The following is an entry in ClinVar:

ClinVar aggregate classification (germline): Uncertain significance (1 of 4 stars; one submission).

Conditions:
Ehlers-Danlos syndrome, classic type, 1 (EDSCL1). Also called: EHLERS-DANLOS SYNDROME, GRAVIS TYPE; EHLERS-DANLOS SYNDROME, SEVERE CLASSIC TYPE; Ehlers-Danlos syndrome, type 1; Ehlers-Danlos Syndrome, Classic Type, COL5A1-Related; EDS I. Identifiers: MedGen C0268335, MONDO:0019567, OMIM 130000.

gnomAD v4.1: 4 of 1,614,012 alleles (0.00025%); highest among the groups gnomAD compares: Non-Finnish European, 0.00025%; no homozygotes.

Submission:

Labcorp Genetics (formerly Invitae), Labcorp
Classification: Uncertain significance for Ehlers-Danlos syndrome, classic type, 1. Last evaluated: 2023-11-01. Review status: criteria provided, single submitter. Criteria: Invitae Variant Classification Sherloc (09022015). Collection method: clinical testing. Allele origin: germline.
Comment: This sequence change affects codon 1712 of the COL5A1 mRNA. It is a 'silent' change, meaning that it does not change the encoded amino acid sequence of the COL5A1 protein. This variant also falls at the last nucleotide of exon 64, which is part of the consensus splice site for this exon. This variant is not present in population databases (gnomAD no frequency). This variant has not been reported in the literature in individuals affected with COL5A1-related conditions. Variants that disrupt the consensus splice site are a relatively common cause of aberrant splicing (PMID: 17576681, 9536098). Algorithms developed to predict the effect of sequence changes on RNA splicing suggest that this variant may disrupt the consensus splice site. In summary, the available evidence is currently insufficient to determine the role of this variant in disease. Therefore, it has been classified as a Variant of Uncertain Significance.

Literature cited by the submitters: PubMed 17576681; PubMed 9536098.

NM_000093.5(COL5A1):c.5136G>T (p.Leu1712=)

Genes: COL5A1 (collagen type V alpha 1 chain; plus strand), LOC101448202 (uncharacterized LOC101448202; minus strand). Cytogenetic location: 9q34.3.
Variant type: single nucleotide variant.
Coding change: c.5136G>T on transcript NM_000093.5 (MANE Select); coding-DNA position 5136, G replaced by T.
Protein change: p.Leu1712=; no amino-acid change (leucine 1712 retained).
Molecular consequence: synonymous variant. On other transcripts: intron variant (1).
Genome position (GRCh38, 1-based): chr9:134,830,044, G>T. VCF-style: chr9-134830044-G-T. GRCh37 (hg19) VCF-style: chr9-137721890-G-T.
Other names: c.5068-64G>T (NM_001278074.1).
Identifiers: ClinVar variation 2753539 (VCV002753539.3), dbSNP rs760185902, ClinGen allele CA467666533.